The following is an entry in ClinVar:

ClinVar aggregate classification (germline): Uncertain significance. Review status: criteria provided, multiple submitters, no conflicts (2 of 4 stars). 2 submissions from 2 submitters: Uncertain significance (2). Last evaluated 2022-08-05.

Conditions:
Autosomal recessive ataxia, Beauce type. Also called: SYNE1-Related Autosomal Recessive Cerebellar Ataxia; Spinocerebellar ataxia, autosomal recessive 8; ATAXIA, RECESSIVE, OF BEAUCE; SYNE1 Deficiency. Identifiers: Orphanet 88644, MedGen C1853116, MONDO:0012549, OMIM 610743.
Emery-Dreifuss muscular dystrophy 4, autosomal dominant (EDMD4). Also called: EMERY-DREIFUSS MUSCULAR DYSTROPHY 4 WITH VARIABLE FEATURES. Identifiers: Orphanet 261, MedGen C2751807, MONDO:0013071, OMIM 612998.

Allele frequency attached by ClinVar (database versions not stated): TOPMed 0.00001; ESP Exome Variant Server 0.00008.
gnomAD v4.1: 22 of 1,613,910 alleles (0.0014%); highest among the groups gnomAD compares: East Asian, 0.0067%; no homozygotes.

Submissions (2):

Labcorp Genetics (formerly Invitae), Labcorp
Classification: Uncertain significance for Emery-Dreifuss muscular dystrophy 4, autosomal dominant; Autosomal recessive ataxia, Beauce type. Last evaluated: 2022-08-05. Review status: criteria provided, single submitter. Criteria: Invitae Variant Classification Sherloc (09022015). Collection method: clinical testing. Allele origin: germline.
Comment: This sequence change replaces threonine, which is neutral and polar, with methionine, which is neutral and non-polar, at codon 902 of the SYNE1 protein (p.Thr902Met). This variant is present in population databases (rs373633207, gnomAD 0.02%). This variant has not been reported in the literature in individuals affected with SYNE1-related conditions. ClinVar contains an entry for this variant (Variation ID: 538389). Algorithms developed to predict the effect of missense changes on protein structure and function are either unavailable or do not agree on the potential impact of this missense change (SIFT: "Deleterious"; PolyPhen-2: "Benign"; Align-GVGD: "Class C0"). In summary, the available evidence is currently insufficient to determine the role of this variant in disease. Therefore, it has been classified as a Variant of Uncertain Significance.

Revvity Omics, Revvity
Classification: Uncertain significance. Last evaluated: 2021-03-24. Review status: criteria provided, single submitter. Criteria: ACMG Guidelines, 2015. Collection method: clinical testing. Allele origin: germline.

NM_182961.4(SYNE1):c.2684C>T (p.Thr895Met)

Gene: SYNE1 (spectrin repeat containing nuclear envelope protein 1; minus strand). Cytogenetic location: 6q25.2.
Variant type: single nucleotide variant.
Coding change: c.2684C>T on transcript NM_182961.4 (MANE Select); coding-DNA position 2684, C replaced by T.
Protein change: p.Thr895Met; replaces threonine 895 with methionine.
Molecular consequence: missense variant.
Genome position (GRCh38, 1-based): chr6:152,455,929, G>A on the plus strand (C>T on the coding strand, the complement: SYNE1 is on the minus strand). VCF-style: chr6-152455929-G-A. GRCh37 (hg19) VCF-style: chr6-152777064-G-A.
Other names: c.2705C>T, p.Thr902Met (NM_033071.5); short protein forms T902M, T895M.
Identifiers: ClinVar variation 538389 (VCV000538389.8), dbSNP rs373633207, ClinGen allele CA4059067.
Genomic context (GRCh38, chr6:152,455,929, plus strand): 5'-CAGGGAGAGCAAATTACCTGAAAAGCAACATGAATATCTGCAATCTGTCTTTGTAGCCTC[G>A]TCTGATCAAAATGCTTTAACACGTTGCTCAAGGTCACAAACTTTTGAACACTTTGACTGC-3'
Protein context (NP_892006.3, residues 885-905): LSNVLKHFDQ[Thr895Met]RLQRQIADIH